The following is an entry in ClinVar:

NM_020779.4(WDR35):c.3412G>A (p.Glu1138Lys)

Gene: WDR35 (WD repeat domain 35; minus strand). Cytogenetic location: 2p24.1.
Variant type: single nucleotide variant.
Coding change: c.3412G>A on transcript NM_020779.4 (MANE Select); coding-DNA position 3412, G replaced by A.
Protein change: p.Glu1138Lys; replaces glutamic acid 1138 with lysine.
Molecular consequence: missense variant.
Genome position (GRCh38, 1-based): chr2:19,913,659, C>T on the plus strand (G>A on the coding strand, the complement: WDR35 is on the minus strand). VCF-style: chr2-19913659-C-T. GRCh37 (hg19) VCF-style: chr2-20113420-C-T.
Other names: c.3445G>A, p.Glu1149Lys (NM_001006657.2); short protein forms E1149K, E1138K.
Identifiers: ClinVar variation 558762 (VCV000558762.6), dbSNP rs978909925, ClinGen allele CA43853337.

ClinVar aggregate classification (germline): Uncertain significance. Review status: criteria provided, multiple submitters, no conflicts (2 of 4 stars). 2 submissions from 2 submitters: Uncertain significance (2). Last evaluated 2025-05-04.

Conditions:
Cranioectodermal dysplasia 2 (CED2). Identifiers: Orphanet 1515, MedGen C3150874, MONDO:0013323, OMIM 613610.
Short-rib thoracic dysplasia 7 with or without polydactyly (SRTD7). Also called: Short rib polydactyly syndrome 5; SHORT-RIB THORACIC DYSPLASIA 7 WITH POLYDACTYLY. Identifiers: Orphanet 498497, Orphanet 93271, MedGen C3279792, MONDO:0013569, OMIM 614091.
Ellis-van Creveld syndrome (EVC). Also called: EVC-Related Ellis-van Creveld Syndrome; EVC2-Related Ellis-van Creveld Syndrome; Chondroectodermal dysplasia; MESOECTODERMAL DYSPLASIA. Identifiers: Orphanet 289, MedGen C0013903, MONDO:0009162, OMIM 225500.

Allele frequency attached by ClinVar (database versions not stated): gnomAD exomes below 0.00001 and 0.00001; gnomAD 0.00001; TOPMed 0.00001.
gnomAD v4.1: 20 of 1,613,986 alleles (0.0012%); highest among the groups gnomAD compares: Non-Finnish European, 0.0017%; no homozygotes.

Submissions (2):

Labcorp Genetics (formerly Invitae), Labcorp
Classification: Uncertain significance for Cranioectodermal dysplasia 2; Short-rib thoracic dysplasia 7 with or without polydactyly. Last evaluated: 2025-05-04. Review status: criteria provided, single submitter. Criteria: Invitae Variant Classification Sherloc (09022015). Collection method: clinical testing. Allele origin: germline.
Comment: This sequence change replaces glutamic acid, which is acidic and polar, with lysine, which is basic and polar, at codon 1149 of the WDR35 protein (p.Glu1149Lys). This variant is present in population databases (no rsID available, gnomAD 0.0009%). This variant has not been reported in the literature in individuals affected with WDR35-related conditions. ClinVar contains an entry for this variant (Variation ID: 558762). Invitae Evidence Modeling of protein sequence and biophysical properties (such as structural, functional, and spatial information, amino acid conservation, physicochemical variation, residue mobility, and thermodynamic stability) indicates that this missense variant is not expected to disrupt WDR35 protein function with a negative predictive value of 95%. In summary, the available evidence is currently insufficient to determine the role of this variant in disease. Therefore, it has been classified as a Variant of Uncertain Significance.

Rare Disease Group, Clinical Genetics, Karolinska Institutet
Classification: Uncertain significance for Ellis-van Creveld syndrome. Last evaluated: 2018-05-01. Review status: criteria provided, single submitter. Criteria: ACMG Guidelines, 2015. Collection method: research. Allele origin: maternal. Inheritance: Autosomal recessive inheritance. Affected: yes.